The following is an entry in ClinVar:

NM_000179.3(MSH6):c.457+14C>A

Gene: MSH6 (mutS homolog 6; plus strand). Cytogenetic location: 2p16.3.
Variant type: single nucleotide variant.
Coding change: c.457+14C>A on transcript NM_000179.3 (MANE Select); 14 bases into the intron after coding-DNA position 457, C replaced by A.
Molecular consequence: intron variant.
Genome position (GRCh38, 1-based): chr2:47,791,137, C>A. VCF-style: chr2-47791137-C-A. GRCh37 (hg19) VCF-style: chr2-48018276-C-A.
Other names: c.-280+14C>A (NM_001281493.2); c.238-7474C>A (NM_001281492.2); c.-446+14C>A (NM_001281494.2).
Identifiers: ClinVar variation 385778 (VCV000385778.11), dbSNP rs267608033, ClinGen allele CA16604271.

ClinVar aggregate classification (germline): Likely benign. Review status: criteria provided, multiple submitters, no conflicts (2 of 4 stars). 3 submissions from 3 submitters: Likely benign (3). Last evaluated 2025-08-20.

Conditions:
Hereditary nonpolyposis colorectal neoplasms. Identifiers: MedGen C0009405, MeSH D003123.
Hereditary cancer-predisposing syndrome. Also called: Hereditary Cancer Syndrome; Hereditary neoplastic syndrome; Neoplastic Syndromes, Hereditary; Tumor predisposition. Identifiers: Orphanet 140162, MedGen C0027672, MeSH D009386, MONDO:0015356.

Allele frequency attached by ClinVar (database versions not stated): gnomAD 0.00001; gnomAD exomes 0.00001; TOPMed 0.00001.

Submissions (3):

Labcorp Genetics (formerly Invitae), Labcorp
Classification: Likely benign for Hereditary nonpolyposis colorectal neoplasms. Last evaluated: 2025-08-20. Review status: criteria provided, single submitter. Criteria: Invitae Variant Classification Sherloc (09022015). Collection method: clinical testing. Allele origin: germline.

Color Diagnostics, LLC DBA Color Health
Classification: Likely benign for Hereditary cancer-predisposing syndrome. Last evaluated: 2019-10-07. Review status: criteria provided, single submitter. Criteria: ACMG Guidelines, 2015. Collection method: clinical testing. Allele origin: germline.

GeneDx
Classification: Likely benign. Last evaluated: 2017-02-08. Review status: criteria provided, single submitter. Criteria: GeneDx Variant Classification (06012015). Collection method: clinical testing. Allele origin: germline. Affected: yes.
Comment: This variant is considered likely benign or benign based on one or more of the following criteria: it is a conservative change, it occurs at a poorly conserved position in the protein, it is predicted to be benign by multiple in silico algorithms, and/or has population frequency not consistent with disease.